The following is an entry in ClinVar:

NM_003331.5(TYK2):c.2909-2A>G

Gene: TYK2 (tyrosine kinase 2; minus strand). Cytogenetic location: 19p13.2.
Variant type: single nucleotide variant.
Coding change: c.2909-2A>G on transcript NM_003331.5 (MANE Select); the canonical splice acceptor site of the intron before coding-DNA position 2909, A replaced by G.
Molecular consequence: splice acceptor variant.
Genome position (GRCh38, 1-based): chr19:10,353,648, T>C on the plus strand (A>G on the coding strand, the complement: TYK2 is on the minus strand). VCF-style: chr19-10353648-T-C. GRCh37 (hg19) VCF-style: chr19-10464324-T-C.
Other names: c.2723-2A>G (NM_001385199.1); c.2909-2A>G (NM_001406461.1, NM_001385198.1, NM_001385197.1); c.2819-2A>G (NM_001385205.1); c.2711-2A>G (NM_001385201.1); c.2783-2A>G (NM_001385206.1); c.2891-2A>G (NM_001385207.1); c.2825-2A>G (NM_001385202.1); c.2906-2A>G (NM_001385200.1); and 2 more.
Identifiers: ClinVar variation 583161 (VCV000583161.9), dbSNP rs775578531, ClinGen allele CA9192867.

ClinVar aggregate classification (germline): Likely pathogenic (1 of 4 stars; one submission).

Conditions:
Immunodeficiency 35 (IMD35). Also called: TYK2 DEFICIENCY; HIES WITH ATYPICAL MYCOBACTERIOSIS, AUTOSOMAL RECESSIVE; HYPER-IgE SYNDROME WITH ATYPICAL MYCOBACTERIOSIS, AUTOSOMAL RECESSIVE; Susceptibility to infection due to TYK2 deficiency. Identifiers: Orphanet 331226, MedGen C1969086, MONDO:0012682, OMIM 611521.

Allele frequency attached by ClinVar (database versions not stated): gnomAD exomes 0.00001; ExAC 0.00002.

Submission:

Labcorp Genetics (formerly Invitae), Labcorp
Classification: Likely pathogenic for Immunodeficiency 35. Last evaluated: 2023-04-03. Review status: criteria provided, single submitter. Criteria: Invitae Variant Classification Sherloc (09022015). Collection method: clinical testing. Allele origin: germline.
Comment: This sequence change affects an acceptor splice site in intron 20 of the TYK2 gene. It is expected to disrupt RNA splicing. Variants that disrupt the donor or acceptor splice site typically lead to a loss of protein function (PMID: 16199547), and loss-of-function variants in TYK2 are known to be pathogenic (PMID: 22402565, 26304966). The frequency data for this variant in the population databases is considered unreliable, as metrics indicate poor data quality at this position in the gnomAD database. This variant has not been reported in the literature in individuals affected with TYK2-related conditions. ClinVar contains an entry for this variant (Variation ID: 583161). Algorithms developed to predict the effect of sequence changes on RNA splicing suggest that this variant may disrupt the consensus splice site. In summary, the currently available evidence indicates that the variant is pathogenic, but additional data are needed to prove that conclusively. Therefore, this variant has been classified as Likely Pathogenic.

Literature cited by the submitters: PubMed 16199547; PubMed 22402565; PubMed 26304966.